The following is an entry in ClinVar:

ClinVar aggregate classification (germline): Likely pathogenic (1 of 4 stars; one submission).

Conditions:
Hypoparathyroidism, deafness, renal disease syndrome (HDRS). Also called: HYPOPARATHYROIDISM, SENSORINEURAL DEAFNESS, AND RENAL DYSPLASIA SYNDROME. Identifiers: Orphanet 2237, MedGen C1840333, MONDO:0007797, OMIM 146255.

Submission:

University of Iowa Renal Genetics Clinic, University of Iowa
Classification: Likely pathogenic for Hypoparathyroidism, deafness, renal disease syndrome. Review status: criteria provided, single submitter. Criteria: ACMG Guidelines, 2015. Collection method: research, clinical testing. Allele origin: germline. Inheritance: Autosomal dominant inheritance. Affected: yes. Observed: 2 heterozygotes. Clinical features observed: Bilateral sensorineural hearing impairment (HP:0008619), Stage 2 chronic kidney disease (HP:0012624), Multicystic kidney dysplasia (HP:0000003), Progressive sensorineural hearing impairment (HP:0000408), Hypoparathyroidism (HP:0000829).
Comment: The Arg353Thr variant was identified within 1 Caucasian family. One individual has a clinical diagnosis of HDR (Barakat) syndrome and a second individual has a suspected history of HDR syndrome. This variant is ultra rare (PM2), predicted pathogenic (PP3), cosegregates with disease in 2 family members (PP1), is a novel missense change at an amino acid residue with a different missense change (Arg353Ser) which has been reported pathogenic (PM5), and the variant is in a gene that is highly specific for the family phenotype (PP4).

NM_001002295.2(GATA3):c.1058G>C (p.Arg353Thr)

Gene: GATA3 (GATA binding protein 3; plus strand). Cytogenetic location: 10p14.
Variant type: single nucleotide variant.
Coding change: c.1058G>C on transcript NM_001002295.2 (MANE Select); coding-DNA position 1058, G replaced by C.
Protein change: p.Arg353Thr; replaces arginine 353 with threonine.
Molecular consequence: missense variant.
Genome position (GRCh38, 1-based): chr10:8,073,746, G>C. VCF-style: chr10-8073746-G-C. GRCh37 (hg19) VCF-style: chr10-8115709-G-C.
Other names: c.1055G>C, p.Arg352Thr (NM_002051.3); short protein forms R353T, R352T.
Identifiers: ClinVar variation 585128 (VCV000585128.3), dbSNP rs1564405163, ClinGen allele CA375975287.
Genomic context (GRCh38, chr10:8,073,746, plus strand): 5'-TTCAGAGGCAGCAAAAAAGTAAAAAAAAAAAAAAAAAATTGATCTTTGTTTAGATTAACA[G>C]ACCCCTGACTATGAAGAAGGAAGGCATCCAGACCAGAAACCGAAAAATGTCTAGCAAATC-3'
Protein context (NP_001002295.1, residues 343-363): GLYYKLHNIN[Arg353Thr]PLTMKKEGIQ